The following is an entry in ClinVar:

NM_001330078.2(NRXN1):c.3043G>T (p.Ala1015Ser)

Gene: NRXN1 (neurexin 1; minus strand). Cytogenetic location: 2p16.3.
Variant type: single nucleotide variant.
Coding change: c.3043G>T on transcript NM_001330078.2 (MANE Select); coding-DNA position 3043, G replaced by T.
Protein change: p.Ala1015Ser; replaces alanine 1015 with serine.
Molecular consequence: missense variant.
Genome position (GRCh38, 1-based): chr2:50,495,932, C>A on the plus strand (G>T on the coding strand, the complement: NRXN1 is on the minus strand). VCF-style: chr2-50495932-C-A. GRCh37 (hg19) VCF-style: chr2-50723070-C-A.
Other names: c.3163G>T, p.Ala1055Ser (NM_001135659.3); c.3019G>T, p.Ala1007Ser (NM_001330077.2, NM_001330082.2); c.2977G>T, p.Ala993Ser (NM_001330083.2, NM_001330084.2); c.3016G>T, p.Ala1006Ser (NM_001330085.2); c.3043G>T, p.Ala1015Ser (NM_001330086.2, NM_004801.6); c.2932G>T, p.Ala978Ser (NM_001330087.2, NM_001330096.2); c.2962G>T, p.Ala988Ser (NM_001330088.2); c.3040G>T, p.Ala1014Ser (NM_001330093.2); and 2 more; short protein forms A1007S, A993S, A998S, A1011S, A978S, A988S, A1006S, A1014S.
Identifiers: ClinVar variation 3674148 (VCV003674148.2).

ClinVar aggregate classification (germline): Uncertain significance (1 of 4 stars; one submission).

Conditions:
Pitt-Hopkins-like syndrome 2 (PTHSL2). Identifiers: Orphanet 221150, Orphanet 600663, MedGen C3280479, MONDO:0013690, OMIM 614325.

gnomAD v4.1: 10 of 1,607,850 alleles (0.00062%); highest among the groups gnomAD compares: East Asian, 0.022%; no homozygotes.

Submission:

Labcorp Genetics (formerly Invitae), Labcorp
Classification: Uncertain significance for Pitt-Hopkins-like syndrome 2. Last evaluated: 2025-02-24. Review status: criteria provided, single submitter. Criteria: Invitae Variant Classification Sherloc (09022015). Collection method: clinical testing. Allele origin: germline.
Comment: This sequence change replaces alanine, which is neutral and non-polar, with serine, which is neutral and polar, at codon 1055 of the NRXN1 protein (p.Ala1055Ser). This variant is present in population databases (rs558347422, gnomAD 0.03%). This variant has not been reported in the literature in individuals affected with NRXN1-related conditions. An algorithm developed to predict the effect of missense changes on protein structure and function (PolyPhen-2) suggests that this variant is likely to be tolerated. In summary, the available evidence is currently insufficient to determine the role of this variant in disease. Therefore, it has been classified as a Variant of Uncertain Significance.